The following is an entry in ClinVar:

ClinVar aggregate classification (germline): Likely benign (0 of 4 stars; one submission).

Conditions:
RDH12-related disorder. Also called: RDH12-related condition; RDH12-related disorders.

Allele frequency attached by ClinVar (database versions not stated): ExAC 0.00002; gnomAD 0.00003; TOPMed 0.00005; ESP Exome Variant Server 0.00015.
gnomAD v4.1: 8 of 1,611,358 alleles (0.0005%); highest among the groups gnomAD compares: African/African-American, 0.011%; no homozygotes.

Submission:

PreventionGenetics, part of Exact Sciences
Classification: Likely benign for RDH12-related condition. Last evaluated: 2020-06-12. Review status: no assertion criteria provided. Collection method: clinical testing. Allele origin: germline.
Comment: This variant is classified as likely benign based on ACMG/AMP sequence variant interpretation guidelines (Richards et al. 2015 PMID: 25741868, with internal and published modifications).

NM_152443.3(RDH12):c.699C>A (p.Val233=)

Genes: GPHN (gephyrin; plus strand), RDH12 (retinol dehydrogenase 12; plus strand), ZFYVE26 (zinc finger FYVE-type containing 26; minus strand). Cytogenetic location: 14q24.1.
Variant type: single nucleotide variant.
Coding change: c.699C>A on transcript NM_152443.3 (MANE Select); coding-DNA position 699, C replaced by A.
Protein change: p.Val233=; no amino-acid change (valine 233 retained).
Molecular consequence: synonymous variant.
Genome position (GRCh38, 1-based): chr14:67,729,231, C>A. VCF-style: chr14-67729231-C-A. GRCh37 (hg19) VCF-style: chr14-68195948-C-A.
Identifiers: ClinVar variation 3037009 (VCV003037009.2), dbSNP rs146526180, ClinGen allele CA7238796.